The following is an entry in ClinVar:

NM_001377540.1(SLMAP):c.1048G>A (p.Glu350Lys)

Gene: SLMAP (sarcolemma associated protein; plus strand). Cytogenetic location: 3p14.3.
Variant type: single nucleotide variant.
Coding change: c.1048G>A on transcript NM_001377540.1 (MANE Select); coding-DNA position 1048, G replaced by A.
Protein change: p.Glu350Lys; replaces glutamic acid 350 with lysine.
Molecular consequence: missense variant. On other transcripts: non-coding transcript variant (1).
Genome position (GRCh38, 1-based): chr3:57,864,629, G>A. VCF-style: chr3-57864629-G-A. GRCh37 (hg19) VCF-style: chr3-57850356-G-A.
Other names: c.1048G>A, p.Glu350Lys (NM_001304420.3, NM_001304421.2, NM_001377538.1 and 17 more transcripts); short protein forms E350K.
Identifiers: ClinVar variation 853308 (VCV000853308.11), dbSNP rs1205218778, ClinGen allele CA353409332.
Genomic context (GRCh38, chr3:57,864,629, plus strand): 5'-GAAATCCAACAGAAGGGACAGGCTGAGAAAAAAGAATTACAACATAAAATAGATGAAATG[G>A]AAGAAAAAGAACAGGAGCTCCAGGCAAAAATAGAAGCTTTGCAAGCTGATAATGATTTCA-3'
Protein context (NP_001364469.1, residues 340-360): KELQHKIDEM[Glu350Lys]EKEQELQAKI

ClinVar aggregate classification (germline): Uncertain significance. Review status: criteria provided, multiple submitters, no conflicts (2 of 4 stars). 2 submissions from 2 submitters: Uncertain significance (2). Last evaluated 2024-11-18.

Conditions:
Brugada syndrome. Also called: Sudden unexpected nocturnal death syndrome; Sudden unexplained nocturnal death syndrome; Sudden Unexplained Death Syndrome; Sudden Unexplained Nocturnal Death Syndrome (SUNDS). Identifiers: Orphanet 130, MedGen C1142166, MONDO:0015263.

Allele frequency attached by ClinVar (database versions not stated): gnomAD 0.00001; gnomAD exomes 0.00001; TOPMed 0.00001.
gnomAD v4.1: 11 of 1,596,708 alleles (0.00069%); highest among the groups gnomAD compares: Non-Finnish European, 0.00085%; no homozygotes.

Submissions (2):

Labcorp Genetics (formerly Invitae), Labcorp
Classification: Uncertain significance for Brugada syndrome. Last evaluated: 2024-11-18. Review status: criteria provided, single submitter. Criteria: Invitae Variant Classification Sherloc (09022015). Collection method: clinical testing. Allele origin: germline.
Comment: This sequence change replaces glutamic acid, which is acidic and polar, with lysine, which is basic and polar, at codon 350 of the SLMAP protein (p.Glu350Lys). This variant is not present in population databases (gnomAD no frequency). This variant has not been reported in the literature in individuals affected with SLMAP-related conditions. ClinVar contains an entry for this variant (Variation ID: 853308). An algorithm developed to predict the effect of missense changes on protein structure and function (PolyPhen-2) suggests that this variant is likely to be disruptive. In summary, the available evidence is currently insufficient to determine the role of this variant in disease. Therefore, it has been classified as a Variant of Uncertain Significance.

Ambry Genetics
Classification: Uncertain significance. Last evaluated: 2024-07-09. Review status: criteria provided, single submitter. Criteria: Ambry Variant Classification Scheme 2023. Collection method: clinical testing. Allele origin: germline.
Comment: The p.E350K variant (also known as c.1048G>A), located in coding exon 10 of the SLMAP gene, results from a G to A substitution at nucleotide position 1048. The glutamic acid at codon 350 is replaced by lysine, an amino acid with similar properties. This amino acid position is conserved. In addition, the in silico prediction for this alteration is inconclusive. Since supporting evidence is limited at this time, the clinical significance of this alteration remains unclear.